The following is an entry in ClinVar:

NM_000057.4(BLM):c.1633A>G (p.Arg545Gly)

Gene: BLM (BLM RecQ like helicase; plus strand). Cytogenetic location: 15q26.1.
Variant type: single nucleotide variant.
Coding change: c.1633A>G on transcript NM_000057.4 (MANE Select); coding-DNA position 1633, A replaced by G.
Protein change: p.Arg545Gly; replaces arginine 545 with glycine.
Molecular consequence: missense variant.
Genome position (GRCh38, 1-based): chr15:90,761,006, A>G. VCF-style: chr15-90761006-A-G. GRCh37 (hg19) VCF-style: chr15-91304236-A-G.
Other names: c.1633A>G, p.Arg545Gly (NM_001287246.2, NM_001287247.2); c.508A>G, p.Arg170Gly (NM_001287248.2); short protein forms R170G, R545G.
Identifiers: ClinVar variation 649464 (VCV000649464.13), dbSNP rs1596230280, ClinGen allele CA393843488.

ClinVar aggregate classification (germline): Uncertain significance. Review status: criteria provided, multiple submitters, no conflicts (2 of 4 stars). 2 submissions from 2 submitters: Uncertain significance (2). Last evaluated 2023-09-15.

Conditions:
Bloom syndrome (BLM). Also called: Bloom-Torre-Machacek syndrome. Identifiers: Orphanet 125, MedGen C0005859, MONDO:0008876, OMIM 210900.
Hereditary cancer-predisposing syndrome. Also called: Neoplastic Syndromes, Hereditary; Tumor predisposition; Hereditary Cancer Syndrome; Hereditary neoplastic syndrome. Identifiers: Orphanet 140162, MedGen C0027672, MeSH D009386, MONDO:0015356.

Allele frequency attached by ClinVar (database versions not stated): gnomAD exomes below 0.00001.
gnomAD v4.1: 2 of 1,608,244 alleles (0.00012%); highest among the groups gnomAD compares: Non-Finnish European, 0.00017%; no homozygotes.

Submissions (2):

Ambry Genetics
Classification: Uncertain significance for Hereditary cancer-predisposing syndrome. Last evaluated: 2023-09-15. Review status: criteria provided, single submitter. Criteria: Ambry Variant Classification Scheme 2023. Collection method: clinical testing. Allele origin: germline.
Comment: The p.R545G variant (also known as c.1633A>G), located in coding exon 6 of the BLM gene, results from an A to G substitution at nucleotide position 1633. The arginine at codon 545 is replaced by glycine, an amino acid with dissimilar properties. This amino acid position is not well conserved in available vertebrate species, and glycine is the reference amino acid in other vertebrate species. In addition, this alteration is predicted to be tolerated by in silico analysis. Since supporting evidence is limited at this time, the clinical significance of this alteration remains unclear.

Labcorp Genetics (formerly Invitae), Labcorp
Classification: Uncertain significance for Bloom syndrome. Last evaluated: 2021-07-21. Review status: criteria provided, single submitter. Criteria: Invitae Variant Classification Sherloc (09022015). Collection method: clinical testing. Allele origin: germline.
Comment: In summary, the available evidence is currently insufficient to determine the role of this variant in disease. Therefore, it has been classified as a Variant of Uncertain Significance. Algorithms developed to predict the effect of missense changes on protein structure and function output the following: SIFT: "Tolerated"; PolyPhen-2: "Benign"; Align-GVGD: "Class C0". The glycine amino acid residue is found in multiple mammalian species, which suggests that this missense change does not adversely affect protein function. ClinVar contains an entry for this variant (Variation ID: 649464). This variant has not been reported in the literature in individuals affected with BLM-related conditions. This variant is not present in population databases (ExAC no frequency). This sequence change replaces arginine with glycine at codon 545 of the BLM protein (p.Arg545Gly). The arginine residue is weakly conserved and there is a moderate physicochemical difference between arginine and glycine.